The following is an entry in ClinVar:

NM_032119.4(ADGRV1):c.18040T>C (p.Phe6014Leu)

Gene: ADGRV1 (adhesion G protein-coupled receptor V1; plus strand). Cytogenetic location: 5q14.3.
Variant type: single nucleotide variant.
Coding change: c.18040T>C on transcript NM_032119.4 (MANE Select); coding-DNA position 18040, T replaced by C.
Protein change: p.Phe6014Leu; replaces phenylalanine 6014 with leucine.
Molecular consequence: missense variant. On other transcripts: non-coding transcript variant (1).
Genome position (GRCh38, 1-based): chr5:90,985,410, T>C. VCF-style: chr5-90985410-T-C. GRCh37 (hg19) VCF-style: chr5-90281227-T-C.
Other names: p.Phe6014Leu; c.18040T>C (NM_032119.3); short protein forms F6014L.
Identifiers: ClinVar variation 1534343 (VCV001534343.14), dbSNP rs201420881, ClinGen allele CA3342545.

ClinVar aggregate classification (germline): Conflicting classifications of pathogenicity. Review status: criteria provided, conflicting classifications (1 of 4 stars). 5 submissions from 5 submitters: Uncertain significance (2); Benign (1); Likely benign (1). 1 of the submissions does not count toward it. Last evaluated 2025-12-24.

Conditions:
ADGRV1-related disorder. Also called: ADGRV1-related disorders; ADGRV1-related condition.

Allele frequency attached by ClinVar (database versions not stated): 1000 Genomes Project 30x 0.00016; TOPMed 0.00017; ESP Exome Variant Server 0.00024; gnomAD exomes 0.00032 and 0.00076; gnomAD 0.00039 and 0.00041; ExAC 0.00073.
gnomAD v4.1: 551 of 1,613,830 alleles (0.034%); highest among the groups gnomAD compares: East Asian, 0.078%; 1 homozygote.

Submissions (5):

Labcorp Genetics (formerly Invitae), Labcorp
Classification: Benign. Last evaluated: 2025-12-24. Review status: criteria provided, single submitter. Criteria: Invitae Variant Classification Sherloc (09022015). Collection method: clinical testing. Allele origin: germline.

GeneDx
Classification: Uncertain significance. Last evaluated: 2025-03-05. Review status: criteria provided, single submitter. Criteria: GeneDx Variant Classification Process June 2021. Collection method: clinical testing. Allele origin: germline.
Comment: Identified in patients with Dravet syndrome who also harbored variants in additional genes referred for genetic testing at in published literature (PMID: 33067208); In silico analysis supports that this missense variant has a deleterious effect on protein structure/function; This variant is associated with the following publications: (PMID: 33067208, 36399868)

Blueprint Genetics
Classification: Likely benign. Last evaluated: 2024-07-24. Review status: criteria provided, single submitter. Criteria: ACMG Guidelines, 2015. Collection method: clinical testing. Allele origin: germline.

Mayo Clinic Laboratories, Mayo Clinic
Classification: Uncertain significance. Last evaluated: 2023-04-17. Review status: criteria provided, single submitter. Criteria: ACMG Guidelines, 2015. Collection method: clinical testing. Allele origin: germline. Observed: 1 variant allele.
Comment: BP4, PM2_supporting

PreventionGenetics, part of Exact Sciences
Classification: Likely benign for ADGRV1-related condition. Last evaluated: 2022-06-20. Review status: no assertion criteria provided. Collection method: clinical testing. Allele origin: germline. Not counted in ClinVar's aggregate classification.
Comment: This variant is classified as likely benign based on ACMG/AMP sequence variant interpretation guidelines (Richards et al. 2015 PMID: 25741868, with internal and published modifications).